The following is an entry in ClinVar:

NM_001267550.2(TTN):c.46939G>T (p.Glu15647Ter)

Genes: TTN (titin; minus strand), TTN-AS1 (TTN antisense RNA 1; plus strand). Cytogenetic location: 2q31.2.
Variant type: single nucleotide variant.
Coding change: c.46939G>T on transcript NM_001267550.2 (MANE Select); coding-DNA position 46939, G replaced by T.
Protein change: p.Glu15647Ter; replaces glutamic acid 15647 with a stop codon.
Molecular consequence: nonsense.
Genome position (GRCh38, 1-based): chr2:178,618,611, C>A on the plus strand (G>T on the coding strand, the complement: TTN is on the minus strand). VCF-style: chr2-178618611-C-A. GRCh37 (hg19) VCF-style: chr2-179483338-C-A.
Other names: c.42016G>T, p.Glu14006Ter (NM_001256850.1); c.19744G>T, p.Glu6582Ter (NM_003319.4); c.39235G>T, p.Glu13079Ter (NM_133378.4); c.20119G>T, p.Glu6707Ter (NM_133432.3); c.20320G>T, p.Glu6774Ter (NM_133437.4); short protein forms E13079*, E6582*, E6774*, E15647*, E6707*, E14006*.
Identifiers: ClinVar variation 2036722 (VCV002036722.4), dbSNP rs2470909796, ClinGen allele CA349621301.

ClinVar aggregate classification (germline): Likely pathogenic (1 of 4 stars; one submission).

Conditions:
Dilated cardiomyopathy 1G (CMD1G). Identifiers: Orphanet 154, MedGen C1858763, MONDO:0011400, OMIM 604145.
Autosomal recessive limb-girdle muscular dystrophy type 2J (LGMDR10). Also called: MUSCULAR DYSTROPHY, LIMB-GIRDLE, AUTOSOMAL RECESSIVE 10; Limb-girdle muscular dystrophy, type 2J. Identifiers: Orphanet 140922, MedGen C1837342, MONDO:0012127, OMIM 608807.

Submission:

Labcorp Genetics (formerly Invitae), Labcorp
Classification: Likely pathogenic for Dilated cardiomyopathy 1G; Autosomal recessive limb-girdle muscular dystrophy type 2J. Last evaluated: 2024-10-18. Review status: criteria provided, single submitter. Criteria: Invitae Variant Classification Sherloc (09022015). Collection method: clinical testing. Allele origin: germline.
Comment: This sequence change creates a premature translational stop signal (p.Glu15647*) in the TTN gene. While this is not anticipated to result in nonsense mediated decay, it is expected to create a truncated TTN protein. This variant is not present in population databases (gnomAD no frequency). This variant has not been reported in the literature in individuals affected with TTN-related conditions. ClinVar contains an entry for this variant (Variation ID: 2036722). This variant is located in the I band of TTN (PMID: 25589632). Truncating variants in this region have been reported in individuals affected with autosomal recessive centronuclear myopathy (PMID: 23975875, internal data). Truncating variants in this region have also been identified in individuals affected with autosomal dominant dilated cardiomyopathy and/or cardio-related conditions (PMID: 27869827, 32964742, internal data). In summary, the currently available evidence indicates that the variant is pathogenic, but additional data are needed to prove that conclusively. Therefore, this variant has been classified as Likely Pathogenic.

Literature cited by the submitters: PubMed 25589632; PubMed 23975875; PubMed 27869827; PubMed 32964742.